The following is an entry in ClinVar:

NM_000271.5(NPC1):c.1947+7_1947+10dup

Gene: NPC1 (NPC intracellular cholesterol transporter 1; minus strand). Cytogenetic location: 18q11.2.
Variant type: Duplication.
Coding change: c.1947+7_1947+10dup on transcript NM_000271.5 (MANE Select); bases 7 to 10 of the intron after coding-DNA position 1947, 4 bases duplicated (CGGG; older notation c.1947+7_1947+10dupCGGG).
Molecular consequence: intron variant.
Genome position (GRCh38, 1-based): chr18:23,544,950-23,544,953, CCCG duplicated on the plus strand (CGGG on the coding strand, the reverse complement: NPC1 is on the minus strand). VCF-style (leftmost placement, unchanged base first): chr18-23544949-C-CCCCG. GRCh37 (hg19) VCF-style: chr18-21124913-C-CCCCG.
Other names: c.1947+7_1947+10dupCGGG (NM_000271.4).
Identifiers: ClinVar variation 1535150 (VCV001535150.9), dbSNP rs1555634678, ClinGen allele CA8913319.
Genomic context (GRCh38, chr18:23,544,949, plus strand): 5'-GGCAAAAATATGACGTTACACTGTGCACTGCTGTTAACCTCTAGAACATACACCACCCCC[C>CCCCG]CCCGGCTTACCAGAAGCCTGCGACAGCTTTTCATGTGCCCCAAGGCTAGGGAAATATATA-3'

ClinVar aggregate classification (germline): Likely benign. Review status: criteria provided, multiple submitters, no conflicts (2 of 4 stars). 2 submissions from 2 submitters: Likely benign (2). Last evaluated 2024-12-26.

Conditions:
NPC1-related disorder. Also called: NPC1-related condition.
Niemann-Pick disease, type C1. Also called: NIEMANN-PICK DISEASE, VARIANT TYPE C1; NEUROVISCERAL STORAGE DISEASE WITH VERTICAL SUPRANUCLEAR OPHTHALMOPLEGIA; NIEMANN-PICK DISEASE WITH CHOLESTEROL ESTERIFICATION BLOCK; NIEMANN-PICK DISEASE WITHOUT SPHINGOMYELINASE DEFICIENCY; NIEMANN-PICK DISEASE, CHRONIC NEURONOPATHIC FORM. Identifiers: Orphanet 646, MedGen C3179455, MONDO:0009757, OMIM 257220.

Allele frequency attached by ClinVar (database versions not stated): TOPMed 0.00001; gnomAD 0.00003 and 0.00004; gnomAD exomes 0.00004 and 0.00007; ExAC 0.00014.

Submissions (2):

PreventionGenetics, part of Exact Sciences
Classification: Likely benign for NPC1-related condition. Last evaluated: 2024-12-26. Review status: criteria provided, single submitter. Criteria: ACMG Guidelines, 2015. Collection method: clinical testing. Allele origin: germline.
Comment: This variant is classified as likely benign based on ACMG/AMP sequence variant interpretation guidelines (Richards et al. 2015 PMID: 25741868, with internal and published modifications).

Labcorp Genetics (formerly Invitae), Labcorp
Classification: Likely benign for Niemann-Pick disease, type C1. Last evaluated: 2024-10-28. Review status: criteria provided, single submitter. Criteria: Invitae Variant Classification Sherloc (09022015). Collection method: clinical testing. Allele origin: germline.